The following is an entry in ClinVar:

NM_001379500.1(COL18A1):c.3077C>T (p.Ala1026Val)

Genes: COL18A1 (collagen type XVIII alpha 1 chain; plus strand), SLC19A1 (solute carrier family 19 member 1; minus strand). Cytogenetic location: 21q22.3.
Variant type: single nucleotide variant.
Coding change: c.3077C>T on transcript NM_001379500.1 (MANE Select); coding-DNA position 3077, C replaced by T.
Protein change: p.Ala1026Val; replaces alanine 1026 with valine.
Molecular consequence: missense variant.
Genome position (GRCh38, 1-based): chr21:45,505,421, C>T. VCF-style: chr21-45505421-C-T. GRCh37 (hg19) VCF-style: chr21-46925335-C-T.
Other names: c.3608C>T, p.Ala1203Val (NM_030582.4); c.4313C>T, p.Ala1438Val (NM_130444.3); c.3608C>T (NM_030582.3); short protein forms A1026V, A1203V, A1438V.
Identifiers: ClinVar variation 1084474 (VCV001084474.11), dbSNP rs557054483, ClinGen allele CA10067666.

ClinVar aggregate classification (germline): Likely benign. Review status: criteria provided, multiple submitters, no conflicts (2 of 4 stars). 4 submissions from 4 submitters: Likely benign (4). Last evaluated 2026-02-12.

Conditions:
COL18A1-related disorder. Also called: COL18A1-related disorders; COL18A1-related condition.

Allele frequency attached by ClinVar (database versions not stated): gnomAD 0.00006; 1000 Genomes Project 30x 0.00016.
gnomAD v4.1: 63 of 1,555,054 alleles (0.0041%); highest among the groups gnomAD compares: East Asian, 0.13%; no homozygotes.

Submissions (4):

PreventionGenetics, part of Exact Sciences
Classification: Likely benign for COL18A1-related condition. Last evaluated: 2026-02-12. Review status: criteria provided, single submitter. Criteria: ACMG Guidelines, 2015. Collection method: clinical testing. Allele origin: germline.
Comment: This variant is classified as likely benign based on ACMG/AMP sequence variant interpretation guidelines (Richards et al. 2015 PMID: 25741868, with internal and published modifications).

Labcorp Genetics (formerly Invitae), Labcorp
Classification: Likely benign. Last evaluated: 2025-12-05. Review status: criteria provided, single submitter. Criteria: Invitae Variant Classification Sherloc (09022015). Collection method: clinical testing. Allele origin: germline.

Blueprint Genetics
Classification: Likely benign. Last evaluated: 2022-10-27. Review status: criteria provided, single submitter. Criteria: ACMG Guidelines, 2015. Collection method: clinical testing. Allele origin: germline.

Breakthrough Genomics
Classification: Likely benign. Review status: criteria provided, single submitter. Criteria: ACMG Guidelines, 2015. Collection method: not provided. Allele origin: germline. Inheritance: Autosomal recessive inheritance. Affected: yes.